The following is an entry in ClinVar:

NM_001852.4(COL9A2):c.1561A>G (p.Thr521Ala)

Gene: COL9A2 (collagen type IX alpha 2 chain; minus strand). Cytogenetic location: 1p34.2.
Variant type: single nucleotide variant.
Coding change: c.1561A>G on transcript NM_001852.4 (MANE Select); coding-DNA position 1561, A replaced by G.
Protein change: p.Thr521Ala; replaces threonine 521 with alanine.
Molecular consequence: missense variant.
Genome position (GRCh38, 1-based): chr1:40,303,173, T>C on the plus strand (A>G on the coding strand, the complement: COL9A2 is on the minus strand). VCF-style: chr1-40303173-T-C. GRCh37 (hg19) VCF-style: chr1-40768845-T-C.
Other names: short protein forms T521A.
Identifiers: ClinVar variation 1430140 (VCV001430140.6), dbSNP rs201661697, ClinGen allele CA791393.

ClinVar aggregate classification (germline): Uncertain significance (1 of 4 stars; one submission).

Allele frequency attached by ClinVar (database versions not stated): ExAC 0.00002; gnomAD exomes 0.00003; gnomAD 0.00004; TOPMed 0.00004; 1000 Genomes Project 30x 0.00016; 1000 Genomes Project 0.00020.

Submission:

Labcorp Genetics (formerly Invitae), Labcorp
Classification: Uncertain significance. Last evaluated: 2025-10-26. Review status: criteria provided, single submitter. Criteria: Invitae Variant Classification Sherloc (09022015). Collection method: clinical testing. Allele origin: germline.
Comment: This sequence change replaces threonine, which is neutral and polar, with alanine, which is neutral and non-polar, at codon 521 of the COL9A2 protein (p.Thr521Ala). This variant is present in population databases (rs201661697, gnomAD 0.005%). This variant has not been reported in the literature in individuals affected with COL9A2-related conditions. ClinVar contains an entry for this variant (Variation ID: 1430140). Invitae Evidence Modeling of protein sequence and biophysical properties (such as structural, functional, and spatial information, amino acid conservation, physicochemical variation, residue mobility, and thermodynamic stability) indicates that this missense variant is not expected to disrupt COL9A2 protein function with a negative predictive value of 95%. In summary, the available evidence is currently insufficient to determine the role of this variant in disease. Therefore, it has been classified as a Variant of Uncertain Significance.